The following is an entry in ClinVar:

NM_000138.5(FBN1):c.2630C>A (p.Ser877Tyr)

Gene: FBN1 (fibrillin 1; minus strand). Cytogenetic location: 15q21.1.
Variant type: single nucleotide variant.
Coding change: c.2630C>A on transcript NM_000138.5 (MANE Select); coding-DNA position 2630, C replaced by A.
Protein change: p.Ser877Tyr; replaces serine 877 with tyrosine.
Molecular consequence: missense variant.
Genome position (GRCh38, 1-based): chr15:48,495,170, G>T on the plus strand (C>A on the coding strand, the complement: FBN1 is on the minus strand). VCF-style: chr15-48495170-G-T. GRCh37 (hg19) VCF-style: chr15-48787367-G-T.
Other names: c.2630C>A, p.Ser877Tyr (NM_001406716.1); short protein forms S877Y.
Identifiers: ClinVar variation 3376597 (VCV003376597.1).
Genomic context (GRCh38, chr15:48,495,170, plus strand): 5'-GGGTTTCTCTTACCAACTTGGCATAGGGTGCACGGGCTTCCCCACGCAGCACCGAGGGAG[G>T]AGCAGCACTGGGACTTTAAGGTGGCTCCATTGATGTTGATCTCACATCGCCCATCAATGA-3'
Protein context (NP_000129.3, residues 867-887): NGATLKSQCC[Ser877Tyr]SLGAAWGSPC

ClinVar aggregate classification (germline): Uncertain significance (1 of 4 stars; one submission).

Conditions:
Marfan syndrome (MFS). Also called: MARFAN SYNDROME, TYPE I; Marfan syndrome type 1; Marfan's syndrome; FBN1-Related Marfan Syndrome; Marfan syndrome, classic. Identifiers: Orphanet 284963, Orphanet 558, MedGen C0024796, MONDO:0007947, OMIM 154700.

Submission:

Victorian Clinical Genetics Services, Murdoch Childrens Research Institute
Classification: Uncertain significance for Marfan syndrome. Last evaluated: 2024-10-08. Review status: criteria provided, single submitter. Criteria: ACMG Guidelines, 2015. Collection method: clinical testing. Allele origin: germline. Inheritance: Autosomal dominant inheritance. Affected: yes.
Comment: Based on the classification scheme VCGS_Germline_v1.3.4, this variant is classified as VUS-3B. Following criteria are met: 0103 - Dominant negative and loss of function are known mechanisms of disease in this gene and are associated with FBN1-related disease. Variants predicted to result in nonsense mediated decay cause loss of function effects, and are more commonly associated with severe Marfan syndrome (MIM#154700). Missense variants with both dominant negative and loss of function effects on protein function, are associated with Marfan syndrome and ectopia lentis (MIM#129600) (OMIM, PMID: 29357934). The exact genotype-phenotype correlation for this gene is still unclear, and is compounded by variable expressivity (PMID: 20301510). (I) 0107 - This gene is predominantly associated with autosomal dominant disease; autosomal recessive forms of Marfan syndrome have rarely been reported (PMID: 27274304; 31950671). (I) 0115 - Variants in this gene are known to have variable expressivity. The genotype-phenotype correlations for this gene are unclear, with single variants reported in patients with a range of phenotypes (PMID: 20301510, OMIM). (I) 0200 - Variant is predicted to result in a missense amino acid change from serine to tyrosine. (I) 0251 - This variant is heterozygous. (I) 0301 - Variant is absent from gnomAD (both v2 and v3). (SP) 0309 - An alternative amino acid change at the same position has been observed in gnomAD (v3) (2 heterozygotes, 0 homozygotes). (I) 0501 - Missense variant consistently predicted to be damaging by multiple in silico tools or highly conserved with a major amino acid change. (SP) 0600 - Variant is located in the annotated TB domain (DECIPHER). (I) 0710 - Other missense variants comparable to the one identified in this case have inconclusive previous evidence for pathogenicity. Two alternative changes, p.(Ser877Ala) and p.(Ser877Phe), have been classified as VUS by clinical laboratories in ClinVar. (I) 0807 - This variant has no previous evidence of pathogenicity. (I) 0905 - No published segregation evidence has been identified for this variant. (I) 1007 - No published functional evidence has been identified for this variant. (I) 1208 - Inheritance information for this variant is not currently available in this individual. (I) Legend: (SP) - Supporting pathogenic, (I) - Information, (SB) - Supporting benign

Literature cited by the submitters: NCBI Bookshelf NBK1335; PubMed 20301510; PubMed 27274304; PubMed 29357934; PubMed 31950671.